The following is an entry in ClinVar:

ClinVar aggregate classification (germline): Uncertain significance (1 of 4 stars; one submission).

Allele frequency attached by ClinVar (database versions not stated): gnomAD exomes below 0.00001.
gnomAD v4.1: 1 of 1,613,806 alleles (0.000062%); highest among the groups gnomAD compares: South Asian, 0.0011%; no homozygotes.

Submission:

GeneDx
Classification: Uncertain significance. Last evaluated: 2022-12-07. Review status: criteria provided, single submitter. Criteria: GeneDx Variant Classification Process June 2021. Collection method: clinical testing. Allele origin: germline. Affected: yes.
Comment: Not observed at significant frequency in large population cohorts (gnomAD); In silico analysis supports that this missense variant does not alter protein structure/function; Has not been previously published as pathogenic or benign to our knowledge

NM_006662.3(SRCAP):c.4123C>T (p.Leu1375Phe)

Gene: SRCAP (Snf2 related CREBBP activator protein; plus strand). Cytogenetic location: 16p11.2.
Variant type: single nucleotide variant.
Coding change: c.4123C>T on transcript NM_006662.3 (MANE Select); coding-DNA position 4123, C replaced by T.
Protein change: p.Leu1375Phe; replaces leucine 1375 with phenylalanine.
Molecular consequence: missense variant.
Genome position (GRCh38, 1-based): chr16:30,723,193, C>T. VCF-style: chr16-30723193-C-T. GRCh37 (hg19) VCF-style: chr16-30734514-C-T.
Other names: short protein forms L1375F.
Identifiers: ClinVar variation 2504999 (VCV002504999.1), dbSNP rs2506674708, ClinGen allele CA395615360.